The following is an entry in ClinVar:

ClinVar aggregate classification (germline): Likely benign (0 of 4 stars; one submission).

Conditions:
CHEK1-related disorder. Also called: CHEK1-related condition.

gnomAD v4.1: 19 of 1,579,472 alleles (0.0012%); highest among the groups gnomAD compares: Admixed American, 0.0084%; no homozygotes.

Submission:

PreventionGenetics, part of Exact Sciences
Classification: Likely benign for CHEK1-related condition. Last evaluated: 2022-06-28. Review status: no assertion criteria provided. Collection method: clinical testing. Allele origin: germline.
Comment: This variant is classified as likely benign based on ACMG/AMP sequence variant interpretation guidelines (Richards et al. 2015 PMID: 25741868, with internal and published modifications).

NM_001114122.3(CHEK1):c.*10C>T

Gene: CHEK1 (checkpoint kinase 1; plus strand). Cytogenetic location: 11q24.2.
Variant type: single nucleotide variant.
Coding change: c.*10C>T on transcript NM_001114122.3 (MANE Select); 10 bases downstream of the stop codon, C replaced by T.
Molecular consequence: 3 prime UTR variant. On other transcripts: non-coding transcript variant (2).
Genome position (GRCh38, 1-based): chr11:125,655,330, C>T. VCF-style: chr11-125655330-C-T. GRCh37 (hg19) VCF-style: chr11-125525225-C-T.
Other names: c.*10C>T (NM_001114121.2, NM_001244846.1, NM_001274.5 and 2 more transcripts).
Identifiers: ClinVar variation 3032654 (VCV003032654.2), dbSNP rs747973479, ClinGen allele CA6349685.